The following is an entry in ClinVar:

ClinVar aggregate classification (germline): Likely benign (1 of 4 stars; one submission).

gnomAD v4.1: 44 of 1,613,646 alleles (0.0027%); highest among the groups gnomAD compares: East Asian, 0.0067%; no homozygotes.

Submission:

CeGaT Center for Human Genetics Tuebingen
Classification: Likely benign. Last evaluated: 2025-05-01. Review status: criteria provided, single submitter. Criteria: CeGaT Center For Human Genetics Tuebingen Variant Classification Criteria Version 2. Collection method: clinical testing. Allele origin: germline. Affected: yes. Observed: 1 variant allele.
Comment: TRIP12: BS2

NM_001348323.3(TRIP12):c.2264A>G (p.Asn755Ser)

Gene: TRIP12 (thyroid hormone receptor interactor 12; minus strand). Cytogenetic location: 2q36.3.
Variant type: single nucleotide variant.
Coding change: c.2264A>G on transcript NM_001348323.3 (MANE Select); coding-DNA position 2264, A replaced by G.
Protein change: p.Asn755Ser; replaces asparagine 755 with serine.
Molecular consequence: missense variant.
Genome position (GRCh38, 1-based): chr2:229,808,327, T>C on the plus strand (A>G on the coding strand, the complement: TRIP12 is on the minus strand). VCF-style: chr2-229808327-T-C. GRCh37 (hg19) VCF-style: chr2-230673043-T-C.
Other names: c.2264A>G, p.Asn755Ser (NM_001284214.2, NM_001348315.2, NM_001348319.1 and 11 more transcripts); c.2138A>G, p.Asn713Ser (NM_001284215.2, NM_001348316.2, NM_001348317.1 and 2 more transcripts); c.1229A>G, p.Asn410Ser (NM_001284216.2); c.2177A>G, p.Asn726Ser (NM_001348332.1); c.2120A>G, p.Asn707Ser (NM_004238.3); short protein forms N410S, N707S, N713S, N726S, N755S.
Identifiers: ClinVar variation 3905428 (VCV003905428.10).